The following is an entry in ClinVar:

NM_001100913.3(PACS2):c.2131G>A (p.Asp711Asn)

Gene: PACS2 (phosphofurin acidic cluster sorting protein 2; plus strand). Cytogenetic location: 14q32.33.
Variant type: single nucleotide variant.
Coding change: c.2131G>A on transcript NM_001100913.3 (MANE Select); coding-DNA position 2131, G replaced by A.
Protein change: p.Asp711Asn; replaces aspartic acid 711 with asparagine.
Molecular consequence: missense variant.
Genome position (GRCh38, 1-based): chr14:105,391,642, G>A. VCF-style: chr14-105391642-G-A. GRCh37 (hg19) VCF-style: chr14-105857979-G-A.
Other names: c.1861G>A, p.Asp621Asn (NM_001243127.3); c.2086G>A, p.Asp696Asn (NM_015197.4); short protein forms D696N, D711N, D621N.
Identifiers: ClinVar variation 2129866 (VCV002129866.4), dbSNP rs969435213, ClinGen allele CA266583154.

ClinVar aggregate classification (germline): Uncertain significance (1 of 4 stars; one submission).

Allele frequency attached by ClinVar (database versions not stated): gnomAD 0.00001; gnomAD exomes 0.00001; TOPMed 0.00001.
gnomAD v4.1: 13 of 1,609,752 alleles (0.00081%); highest among the groups gnomAD compares: South Asian, 0.0033%; no homozygotes.

Submission:

Labcorp Genetics (formerly Invitae), Labcorp
Classification: Uncertain significance. Last evaluated: 2022-12-15. Review status: criteria provided, single submitter. Criteria: Invitae Variant Classification Sherloc (09022015). Collection method: clinical testing. Allele origin: germline.
Comment: This sequence change replaces aspartic acid, which is acidic and polar, with asparagine, which is neutral and polar, at codon 711 of the PACS2 protein (p.Asp711Asn). This variant is present in population databases (no rsID available, gnomAD 0.007%). This variant has not been reported in the literature in individuals affected with PACS2-related conditions. Advanced modeling of protein sequence and biophysical properties (such as structural, functional, and spatial information, amino acid conservation, physicochemical variation, residue mobility, and thermodynamic stability) performed at Invitae indicates that this missense variant is not expected to disrupt PACS2 protein function. In summary, the available evidence is currently insufficient to determine the role of this variant in disease. Therefore, it has been classified as a Variant of Uncertain Significance.